The following is an entry in ClinVar:

NM_201384.3(PLEC):c.7949G>A (p.Arg2650Gln)

Gene: PLEC (plectin; minus strand). Cytogenetic location: 8q24.3.
Variant type: single nucleotide variant.
Coding change: c.7949G>A on transcript NM_201384.3 (MANE Select); coding-DNA position 7949, G replaced by A.
Protein change: p.Arg2650Gln; replaces arginine 2650 with glutamine.
Molecular consequence: missense variant.
Genome position (GRCh38, 1-based): chr8:143,921,872, C>T on the plus strand (G>A on the coding strand, the complement: PLEC is on the minus strand). VCF-style: chr8-143921872-C-T. GRCh37 (hg19) VCF-style: chr8-144996040-C-T.
Other names: c.8030G>A, p.Arg2677Gln (NM_000445.5); c.7907G>A, p.Arg2636Gln (NM_201378.4); c.7883G>A, p.Arg2628Gln (NM_201379.3); c.8360G>A, p.Arg2787Gln (NM_201380.4); c.7853G>A, p.Arg2618Gln (NM_201381.3); c.7949G>A, p.Arg2650Gln (NM_201382.4); c.7961G>A, p.Arg2654Gln (NM_201383.3); short protein forms R2628Q, R2636Q, R2650Q, R2677Q, R2787Q, R2618Q, R2654Q.
Identifiers: ClinVar variation 578576 (VCV000578576.6), dbSNP rs1554687458, ClinGen allele CA372520834.
Genomic context (GRCh38, chr8:143,921,872, plus strand): 5'-TGCAGCTCCTCCGCACTCAGGATGCCGGCCTCCTGCAGCCTCTGAGCTGACACCTTCCGC[C>T]GCAGGCCATCGAAGCTGTGCTCCGGCTCTGCCTCTGCCGCGGGGCCATCAAGTGCATCCC-3'
Protein context (NP_958786.1, residues 2640-2660): AEPEHSFDGL[Arg2650Gln]RKVSAQRLQE

ClinVar aggregate classification (germline): Uncertain significance (1 of 4 stars; one submission).

Conditions:
Epidermolysis bullosa simplex 5C, with pyloric atresia (EBS5C). Also called: PLEC1-Related Epidermolysis Bullosa with Pyloric Atresia; PLEC-Related Epidermolysis Bullosa with Pyloric Atresia; Epidermolysis bullosa simplex with pyloric atresia. Identifiers: Orphanet 158684, MedGen C2677349, MONDO:0012807, OMIM 612138.
Epidermolysis bullosa simplex with nail dystrophy (EBS5D). Identifiers: MedGen C4225309, MONDO:0014661, OMIM 616487.
Autosomal recessive limb-girdle muscular dystrophy type 2Q (LGMDR17). Also called: MUSCULAR DYSTROPHY, LIMB-GIRDLE, AUTOSOMAL RECESSIVE 17. Identifiers: Orphanet 254361, MedGen C3150989, MONDO:0013390, OMIM 613723.
Epidermolysis bullosa simplex 5B, with muscular dystrophy (EBS5B). Also called: Epidermolysis bullosa simplex with muscular dystrophy; EPIDERMOLYSIS BULLOSA SIMPLEX AND LIMB-GIRDLE MUSCULAR DYSTROPHY. Identifiers: Orphanet 257, MedGen C2931072, MONDO:0009181, OMIM 226670.
Epidermolysis bullosa simplex, Ogna type (EBS5A). Also called: Pidermolysis bullosa simplex 5A, Ogna type; EPIDERMOLYSIS BULLOSA SIMPLEX 5A, OGNA TYPE. Identifiers: Orphanet 79401, MedGen C0432317, MONDO:0007555, OMIM 131950.

Allele frequency attached by ClinVar (database versions not stated): gnomAD exomes below 0.00001; gnomAD 0.00001; TOPMed 0.00001.
gnomAD v4.1: 7 of 1,601,762 alleles (0.00044%); highest among the groups gnomAD compares: Admixed American, 0.0017%; no homozygotes.

Submission:

Labcorp Genetics (formerly Invitae), Labcorp
Classification: Uncertain significance for Autosomal recessive limb-girdle muscular dystrophy type 2Q; Epidermolysis bullosa simplex, Ogna type; Epidermolysis bullosa simplex with nail dystrophy; Epidermolysis bullosa simplex 5C, with pyloric atresia; Epidermolysis bullosa simplex 5B, with muscular dystrophy. Last evaluated: 2025-08-26. Review status: criteria provided, single submitter. Criteria: Invitae Variant Classification Sherloc (09022015). Collection method: clinical testing. Allele origin: germline.
Comment: This sequence change replaces arginine, which is basic and polar, with glutamine, which is neutral and polar, at codon 2677 of the PLEC protein (p.Arg2677Gln). This variant is present in population databases (no rsID available, gnomAD 0.0009%). This variant has not been reported in the literature in individuals affected with PLEC-related conditions. ClinVar contains an entry for this variant (Variation ID: 578576). An algorithm developed to predict the effect of missense changes on protein structure and function (PolyPhen-2) suggests that this variant is likely to be disruptive. In summary, the available evidence is currently insufficient to determine the role of this variant in disease. Therefore, it has been classified as a Variant of Uncertain Significance.